The following is an entry in ClinVar:

NM_201384.3(PLEC):c.7336G>A (p.Glu2446Lys)

Gene: PLEC (plectin; minus strand). Cytogenetic location: 8q24.3.
Variant type: single nucleotide variant.
Coding change: c.7336G>A on transcript NM_201384.3 (MANE Select); coding-DNA position 7336, G replaced by A.
Protein change: p.Glu2446Lys; replaces glutamic acid 2446 with lysine.
Molecular consequence: missense variant. On other transcripts: intron variant (1).
Genome position (GRCh38, 1-based): chr8:143,922,593, C>T on the plus strand (G>A on the coding strand, the complement: PLEC is on the minus strand). VCF-style: chr8-143922593-C-T. GRCh37 (hg19) VCF-style: chr8-144996761-C-T.
Other names: c.7417G>A, p.Glu2473Lys (NM_000445.5); c.7294G>A, p.Glu2432Lys (NM_201378.4); c.7270G>A, p.Glu2424Lys (NM_201379.3); c.7747G>A, p.Glu2583Lys (NM_201380.4); c.7240G>A, p.Glu2414Lys (NM_201381.3); c.7336G>A, p.Glu2446Lys (NM_201382.4); c.7348G>A, p.Glu2450Lys (NM_201383.3); c.4126-198G>A (NM_001410941.1); short protein forms E2424K, E2432K, E2446K, E2473K, E2450K, E2414K, E2583K.
Identifiers: ClinVar variation 2952863 (VCV002952863.3), dbSNP rs376827900, ClinGen allele CA4925686.
Genomic context (GRCh38, chr8:143,922,593, plus strand): 5'-CCTCCTGTTGGAGCTTCTCCTTCTCACGCTCCAGCTCAGCGATGGCCTCCCGCAGGCGCT[C>T]GGCATCATGGTCACTCTGCTGTCGCTGGATCTCCAGTGTCTGCACCAGGGTCACCTTCTC-3'
Protein context (NP_958786.1, residues 2436-2456): IQRQQSDHDA[Glu2446Lys]RLREAIAELE

ClinVar aggregate classification (germline): Uncertain significance (1 of 4 stars; one submission).

Conditions:
Epidermolysis bullosa simplex with nail dystrophy (EBS5D). Identifiers: MedGen C4225309, MONDO:0014661, OMIM 616487.
Autosomal recessive limb-girdle muscular dystrophy type 2Q (LGMDR17). Also called: MUSCULAR DYSTROPHY, LIMB-GIRDLE, AUTOSOMAL RECESSIVE 17. Identifiers: Orphanet 254361, MedGen C3150989, MONDO:0013390, OMIM 613723.
Epidermolysis bullosa simplex 5C, with pyloric atresia (EBS5C). Also called: PLEC1-Related Epidermolysis Bullosa with Pyloric Atresia; PLEC-Related Epidermolysis Bullosa with Pyloric Atresia; Epidermolysis bullosa simplex with pyloric atresia. Identifiers: Orphanet 158684, MedGen C2677349, MONDO:0012807, OMIM 612138.
Epidermolysis bullosa simplex 5B, with muscular dystrophy (EBS5B). Also called: Epidermolysis bullosa simplex with muscular dystrophy; EPIDERMOLYSIS BULLOSA SIMPLEX AND LIMB-GIRDLE MUSCULAR DYSTROPHY. Identifiers: Orphanet 257, MedGen C2931072, MONDO:0009181, OMIM 226670.
Epidermolysis bullosa simplex, Ogna type (EBS5A). Also called: EPIDERMOLYSIS BULLOSA SIMPLEX 5A, OGNA TYPE; Pidermolysis bullosa simplex 5A, Ogna type. Identifiers: Orphanet 79401, MedGen C0432317, MONDO:0007555, OMIM 131950.

gnomAD v4.1: 24 of 1,613,466 alleles (0.0015%); highest among the groups gnomAD compares: South Asian, 0.0066%; no homozygotes.

Submission:

Labcorp Genetics (formerly Invitae), Labcorp
Classification: Uncertain significance for Autosomal recessive limb-girdle muscular dystrophy type 2Q; Epidermolysis bullosa simplex, Ogna type; Epidermolysis bullosa simplex with nail dystrophy; Epidermolysis bullosa simplex 5C, with pyloric atresia; Epidermolysis bullosa simplex 5B, with muscular dystrophy. Last evaluated: 2025-10-03. Review status: criteria provided, single submitter. Criteria: Invitae Variant Classification Sherloc (09022015). Collection method: clinical testing. Allele origin: germline.
Comment: This sequence change replaces glutamic acid, which is acidic and polar, with lysine, which is basic and polar, at codon 2473 of the PLEC protein (p.Glu2473Lys). This variant is present in population databases (rs376827900, gnomAD 0.02%). This variant has not been reported in the literature in individuals affected with PLEC-related conditions. ClinVar contains an entry for this variant (Variation ID: 2952863). An algorithm developed to predict the effect of missense changes on protein structure and function (PolyPhen-2) suggests that this variant is likely to be disruptive. In summary, the available evidence is currently insufficient to determine the role of this variant in disease. Therefore, it has been classified as a Variant of Uncertain Significance.